The following is an entry in ClinVar:

NM_203446.3(SYNJ1):c.-23+5G>A

Gene: SYNJ1 (synaptojanin 1; minus strand). Cytogenetic location: 21q22.11.
Variant type: single nucleotide variant.
Coding change: c.-23+5G>A on transcript NM_203446.3 (MANE Select); 5 bases into the intron after 23 bases upstream of the start codon, G replaced by A.
Molecular consequence: intron variant.
Genome position (GRCh38, 1-based): chr21:32,727,941, C>T on the plus strand (G>A on the coding strand, the complement: SYNJ1 is on the minus strand). VCF-style: chr21-32727941-C-T. GRCh37 (hg19) VCF-style: chr21-34100252-C-T.
Other names: c.95+5G>A (NM_003895.4).
Identifiers: ClinVar variation 4789419 (VCV004789419.1).

ClinVar aggregate classification (germline): Uncertain significance (1 of 4 stars; one submission).

Conditions:
Developmental and epileptic encephalopathy, 53. Also called: Epileptic encephalopathy, early infantile, 53. Identifiers: MedGen C4479313, MONDO:0033362, OMIM 617389.
Early-onset Parkinson disease 20. Also called: PARKINSON DISEASE 20, AUTOSOMAL RECESSIVE EARLY-ONSET. Identifiers: Orphanet 391411, MedGen C3809824, MONDO:0014233, OMIM 615530.

gnomAD v4.1: 1 of 1,532,944 alleles (0.000065%); highest among the groups gnomAD compares: Non-Finnish European, 0.000087%; no homozygotes.

Submission:

Labcorp Genetics (formerly Invitae), Labcorp
Classification: Uncertain significance for Developmental and epileptic encephalopathy, 53; Early-onset Parkinson disease 20. Last evaluated: 2025-09-15. Review status: criteria provided, single submitter. Criteria: Invitae Variant Classification Sherloc (09022015). Collection method: clinical testing. Allele origin: germline.
Comment: This sequence change falls in intron 1 of the SYNJ1 gene. It does not directly change the encoded amino acid sequence of the SYNJ1 protein. It affects a nucleotide within the consensus splice site. This variant is not present in population databases (gnomAD no frequency). This variant has not been reported in the literature in individuals affected with SYNJ1-related conditions. Variants that disrupt the consensus splice site are a relatively common cause of aberrant splicing (PMID: 17576681, 9536098). Algorithms developed to predict the effect of sequence changes on RNA splicing suggest that this variant may disrupt the consensus splice site. In summary, the available evidence is currently insufficient to determine the role of this variant in disease. Therefore, it has been classified as a Variant of Uncertain Significance.

Literature cited by the submitters: PubMed 17576681; PubMed 9536098.